The following is an entry in ClinVar:

ClinVar aggregate classification (germline): Pathogenic (1 of 4 stars; one submission).

Conditions:
Spastic paraplegia. Identifiers: MedGen C0037772, HP:0001258.

Submission:

Labcorp Genetics (formerly Invitae), Labcorp
Classification: Pathogenic for Spastic paraplegia. Last evaluated: 2022-02-05. Review status: criteria provided, single submitter. Criteria: Invitae Variant Classification Sherloc (09022015). Collection method: clinical testing. Allele origin: germline.
Comment: This sequence change creates a premature translational stop signal (p.Pro1800Glnfs*42) in the ZFYVE26 gene. It is expected to result in an absent or disrupted protein product. Loss-of-function variants in ZFYVE26 are known to be pathogenic (PMID: 18394578, 19805727). This variant is not present in population databases (gnomAD no frequency). This variant has not been reported in the literature in individuals affected with ZFYVE26-related conditions. For these reasons, this variant has been classified as Pathogenic.

Literature cited by the submitters: PubMed 18394578; PubMed 19805727.

NM_015346.4(ZFYVE26):c.5399del (p.Pro1800fs)

Gene: ZFYVE26 (zinc finger FYVE-type containing 26; minus strand). Cytogenetic location: 14q24.1.
Variant type: Deletion.
Coding change: c.5399del on transcript NM_015346.4 (MANE Select); coding-DNA position 5399, one base deleted (C; older notation c.5399delC).
Protein change: p.Pro1800fs; shifts the reading frame from proline 1800.
Molecular consequence: frameshift variant.
Genome position (GRCh38, 1-based): chr14:67,772,132, G deleted on the plus strand (C on the coding strand, the reverse complement: ZFYVE26 is on the minus strand); the first of 5 consecutive G bases (chr14:67,772,132-67,772,136); deleting any one gives the same sequence. VCF-style (leftmost placement, unchanged base first): chr14-67772131-TG-T. GRCh37 (hg19) VCF-style: chr14-68238848-TG-T.
Other names: short protein forms P1800fs.
Identifiers: ClinVar variation 2080102 (VCV002080102.4), dbSNP rs2502772776, ClinGen allele CA2580088691.